The following is an entry in ClinVar:

ClinVar aggregate classification (germline): Pathogenic. Review status: criteria provided, multiple submitters, no conflicts (2 of 4 stars). 2 submissions from 2 submitters: Pathogenic (2). Last evaluated 2023-04-15.

Conditions:
Hereditary cancer-predisposing syndrome. Also called: Tumor predisposition; Hereditary Cancer Syndrome; Hereditary neoplastic syndrome; Neoplastic Syndromes, Hereditary. Identifiers: Orphanet 140162, MedGen C0027672, MeSH D009386, MONDO:0015356.
Familial adenomatous polyposis 1 (FAP1). Also called: FAMILIAL ADENOMATOUS POLYPOSIS 1, ATTENUATED; POLYPOSIS, ADENOMATOUS INTESTINAL. Identifiers: MedGen C2713442, MONDO:0021056, OMIM 175100. Disease mechanism: loss of function.

Submissions (2):

Labcorp Genetics (formerly Invitae), Labcorp
Classification: Pathogenic for Familial adenomatous polyposis 1. Last evaluated: 2023-04-15. Review status: criteria provided, single submitter. Criteria: Invitae Variant Classification Sherloc (09022015). Collection method: clinical testing. Allele origin: germline.
Comment: This sequence change creates a premature translational stop signal (p.Gln886*) in the APC gene. While this is not anticipated to result in nonsense mediated decay, it is expected to disrupt the last 1958 amino acid(s) of the APC protein. This variant is not present in population databases (gnomAD no frequency). This variant has not been reported in the literature in individuals affected with APC-related conditions. ClinVar contains an entry for this variant (Variation ID: 486755). This variant is expected to disrupt the EB1 and HDLG binding sites, which mediate interactions with the cytoskeleton (PMID: 15311282, 17293347). While functional studies have not been performed to directly test the effect on APC protein function, this suggests that disruption of the C-terminal portion of the protein is functionally important. A different truncation (p.Tyr2645Lysfs*14) that lies downstream of this variant has been determined to be pathogenic (PMID: 9824584, 1316610, 27081525, 8381579, 22135120, Invitae). This suggests that deletion of this region of the APC protein is causative of disease. For these reasons, this variant has been classified as Pathogenic.

Ambry Genetics
Classification: Pathogenic for Hereditary cancer-predisposing syndrome. Last evaluated: 2016-06-24. Review status: criteria provided, single submitter. Criteria: Ambry Variant Classification Scheme 2023. Collection method: clinical testing. Allele origin: germline.
Comment: The p.Q886* pathogenic mutation (also known as c.2656C>T), located in coding exon 15 of the APC gene, results from a C to T substitution at nucleotide position 2656. This changes the amino acid from a glutamine to a stop codon within coding exon 15. Since premature stop codons are typically deleterious in nature, this alteration is interpreted as a disease-causing mutation (ACMG Recommendations for Standards for Interpretation and Reporting of Sequence Variations. Revision 2007. Genet Med. 2008;10:294).

Literature cited by the submitters: PubMed 15311282 (cited by Labcorp Genetics (formerly Invitae), Labcorp); PubMed 17293347 (cited by Labcorp Genetics (formerly Invitae), Labcorp); PubMed 9824584 (cited by Labcorp Genetics (formerly Invitae), Labcorp); PubMed 1316610 (cited by Labcorp Genetics (formerly Invitae), Labcorp); PubMed 27081525 (cited by Labcorp Genetics (formerly Invitae), Labcorp); PubMed 8381579 (cited by Labcorp Genetics (formerly Invitae), Labcorp); PubMed 22135120 (cited by Labcorp Genetics (formerly Invitae), Labcorp).

NM_000038.6(APC):c.2656C>T (p.Gln886Ter)

Gene: APC (APC regulator of Wnt signaling pathway; plus strand). Cytogenetic location: 5q22.2.
Variant type: single nucleotide variant.
Coding change: c.2656C>T on transcript NM_000038.6 (MANE Select); coding-DNA position 2656, C replaced by T.
Protein change: p.Gln886Ter; replaces glutamine 886 with a stop codon.
Molecular consequence: nonsense.
Genome position (GRCh38, 1-based): chr5:112,838,250, C>T. VCF-style: chr5-112838250-C-T. GRCh37 (hg19) VCF-style: chr5-112173947-C-T.
Other names: c.2656C>T, p.Gln886Ter (NM_001127510.3, NM_001354895.2); c.2602C>T, p.Gln868Ter (NM_001127511.3); c.2710C>T, p.Gln904Ter (NM_001354896.2); c.2686C>T, p.Gln896Ter (NM_001354897.2); c.2581C>T, p.Gln861Ter (NM_001354898.2); c.2572C>T, p.Gln858Ter (NM_001354899.2); c.2533C>T, p.Gln845Ter (NM_001354900.2); c.2479C>T, p.Gln827Ter (NM_001354901.2); and 5 more; short protein forms Q868*, Q886*, Q603*, Q845*, Q858*, Q861*, Q726*, Q785*.
Identifiers: ClinVar variation 486755 (VCV000486755.10), dbSNP rs755806668, ClinGen allele CA16027131.